The following is an entry in ClinVar:

ClinVar aggregate classification (germline): Uncertain significance (1 of 4 stars; one submission).

gnomAD v4.1: 1 of 1,614,096 alleles (0.000062%); highest among the groups gnomAD compares: East Asian, 0.0022%; no homozygotes.

Submission:

GeneDx
Classification: Uncertain significance. Last evaluated: 2026-03-17. Review status: criteria provided, single submitter. Criteria: GeneDx Variant Classification Process June 2021. Collection method: clinical testing. Allele origin: germline.
Comment: Not observed at significant frequency in large population cohorts (gnomAD); In silico analysis supports that this missense variant has a deleterious effect on protein structure/function; Has not been previously published as pathogenic or benign to our knowledge

NM_001458.5(FLNC):c.4361G>T (p.Gly1454Val)

Gene: FLNC (filamin C; plus strand). Cytogenetic location: 7q32.1.
Variant type: single nucleotide variant.
Coding change: c.4361G>T on transcript NM_001458.5 (MANE Select); coding-DNA position 4361, G replaced by T.
Protein change: p.Gly1454Val; replaces glycine 1454 with valine.
Molecular consequence: missense variant.
Genome position (GRCh38, 1-based): chr7:128,847,769, G>T. VCF-style: chr7-128847769-G-T. GRCh37 (hg19) VCF-style: chr7-128487823-G-T.
Other names: c.4361G>T, p.Gly1454Val (NM_001127487.2); short protein forms G1454V.
Identifiers: ClinVar variation 4976700 (VCV004976700.1).